The following is an entry in ClinVar:

ClinVar aggregate classification (germline): Uncertain significance. Review status: criteria provided, multiple submitters, no conflicts (2 of 4 stars). 3 submissions from 3 submitters: Uncertain significance (3). Last evaluated 2024-08-21.

Conditions:
Inborn genetic diseases. Identifiers: MedGen C0950123, MeSH D030342.
Kleefstra syndrome 1 (KLEFS1). Identifiers: Orphanet 261494, MedGen C0795833, MONDO:0027407, OMIM 610253.

gnomAD v4.1: 5 of 1,613,722 alleles (0.00031%); highest among the groups gnomAD compares: African/African-American, 0.0027%; no homozygotes.

Submissions (3):

Ambry Genetics
Classification: Uncertain significance for Inborn genetic diseases. Last evaluated: 2024-08-21. Review status: criteria provided, single submitter. Criteria: Ambry Variant Classification Scheme 2023. Collection method: clinical testing. Allele origin: germline.

GeneDx
Classification: Uncertain significance. Last evaluated: 2022-06-16. Review status: criteria provided, single submitter. Criteria: GeneDx Variant Classification Process June 2021. Collection method: clinical testing. Allele origin: germline. Affected: yes.
Comment: Not observed at significant frequency in large population cohorts (gnomAD); In silico analysis supports that this missense variant does not alter protein structure/function; Has not been previously published as pathogenic or benign to our knowledge

Labcorp Genetics (formerly Invitae), Labcorp
Classification: Uncertain significance for Kleefstra syndrome 1. Last evaluated: 2021-08-29. Review status: criteria provided, single submitter. Criteria: Invitae Variant Classification Sherloc (09022015). Collection method: clinical testing. Allele origin: germline.
Comment: This sequence change replaces alanine with threonine at codon 746 of the EHMT1 protein (p.Ala746Thr). The alanine residue is highly conserved and there is a small physicochemical difference between alanine and threonine. This variant is not present in population databases (ExAC no frequency). This variant has not been reported in the literature in individuals affected with EHMT1-related conditions. Algorithms developed to predict the effect of missense changes on protein structure and function are either unavailable or do not agree on the potential impact of this missense change (SIFT: "Deleterious"; PolyPhen-2: "Probably Damaging"; Align-GVGD: "Class C0"). In summary, the available evidence is currently insufficient to determine the role of this variant in disease. Therefore, it has been classified as a Variant of Uncertain Significance.

NM_024757.5(EHMT1):c.2236G>A (p.Ala746Thr)

Gene: EHMT1 (euchromatic histone lysine methyltransferase 1; plus strand). Cytogenetic location: 9q34.3.
Variant type: single nucleotide variant.
Coding change: c.2236G>A on transcript NM_024757.5 (MANE Select); coding-DNA position 2236, G replaced by A.
Protein change: p.Ala746Thr; replaces alanine 746 with threonine.
Molecular consequence: missense variant.
Genome position (GRCh38, 1-based): chr9:137,779,678, G>A. VCF-style: chr9-137779678-G-A. GRCh37 (hg19) VCF-style: chr9-140674130-G-A.
Other names: c.2236G>A, p.Ala746Thr (NM_001145527.2); c.2143G>A, p.Ala715Thr (NM_001354259.2); c.2215G>A, p.Ala739Thr (NM_001354263.2); short protein forms A739T, A746T, A715T.
Identifiers: ClinVar variation 1354454 (VCV001354454.8), dbSNP rs970059219, ClinGen allele CA201807242.